The following is an entry in ClinVar:

NM_015046.7(SETX):c.2339C>T (p.Thr780Ile)

Gene: SETX (senataxin; minus strand). Cytogenetic location: 9q34.13.
Variant type: single nucleotide variant.
Coding change: c.2339C>T on transcript NM_015046.7 (MANE Select); coding-DNA position 2339, C replaced by T.
Protein change: p.Thr780Ile; replaces threonine 780 with isoleucine.
Molecular consequence: missense variant.
Genome position (GRCh38, 1-based): chr9:132,329,259, G>A on the plus strand (C>T on the coding strand, the complement: SETX is on the minus strand). VCF-style: chr9-132329259-G-A. GRCh37 (hg19) VCF-style: chr9-135204646-G-A.
Other names: c.2339C>T, p.Thr780Ile (NM_001351527.2, NM_001351528.2); short protein forms T780I.
Identifiers: ClinVar variation 536378 (VCV000536378.9), dbSNP rs1554821445, ClinGen allele CA375336278.
Genomic context (GRCh38, chr9:132,329,259, plus strand): 5'-CTGTGTTGCTTCTTTATTACATGTGATAACTTTGCACAGATTTCATCTTTCTGTACCTTA[G>A]TTTTTCGTTTTGAGGTTTTAGCAAGAGCATCATCCTTTAAAGAGAAATCTTCATTCGATG-3'
Protein context (NP_055861.3, residues 770-790): DALAKTSKRK[Thr780Ile]KVQKDEICAK

ClinVar aggregate classification (germline): Uncertain significance (1 of 4 stars; one submission).

Conditions:
Amyotrophic lateral sclerosis type 4 (ALS4). Also called: AMYOTROPHIC LATERAL SCLEROSIS 4, JUVENILE; NEURONOPATHY, DISTAL HEREDITARY MOTOR, WITH PYRAMIDAL FEATURES. Identifiers: Orphanet 357043, MedGen C1865409, MONDO:0011223, OMIM 602433.
Spinocerebellar ataxia, autosomal recessive, with axonal neuropathy 2 (SCAN2). Also called: ATAXIA-OCULOMOTOR APRAXIA 2; Ataxia-ocular apraxia-2; Ataxia with Oculomotor Apraxia Type 2; Ataxia with Oculomotor Apraxia. Identifiers: Orphanet 64753, MedGen C1853761, MONDO:0018996, OMIM 606002.

Allele frequency attached by ClinVar (database versions not stated): gnomAD exomes 0.00001.
gnomAD v4.1: 11 of 1,613,832 alleles (0.00068%); highest among the groups gnomAD compares: African/African-American, 0.0013%; no homozygotes.

Submission:

Labcorp Genetics (formerly Invitae), Labcorp
Classification: Uncertain significance for Amyotrophic lateral sclerosis type 4; Spinocerebellar ataxia, autosomal recessive, with axonal neuropathy 2. Last evaluated: 2024-02-17. Review status: criteria provided, single submitter. Criteria: Invitae Variant Classification Sherloc (09022015). Collection method: clinical testing. Allele origin: germline.
Comment: This sequence change replaces threonine, which is neutral and polar, with isoleucine, which is neutral and non-polar, at codon 780 of the SETX protein (p.Thr780Ile). This variant is not present in population databases (gnomAD no frequency). This variant has not been reported in the literature in individuals affected with SETX-related conditions. ClinVar contains an entry for this variant (Variation ID: 536378). Advanced modeling of protein sequence and biophysical properties (such as structural, functional, and spatial information, amino acid conservation, physicochemical variation, residue mobility, and thermodynamic stability) performed at Invitae indicates that this missense variant is not expected to disrupt SETX protein function with a negative predictive value of 95%. In summary, the available evidence is currently insufficient to determine the role of this variant in disease. Therefore, it has been classified as a Variant of Uncertain Significance.